The following is an entry in ClinVar:

ClinVar aggregate classification (germline): Uncertain significance (1 of 4 stars; one submission).

Conditions:
PTCH1-related disorder. Also called: PTCH1-related disorders; PTCH1-related condition.

gnomAD v4.1: 1 of 1,612,638 alleles (0.000062%); highest among the groups gnomAD compares: African/African-American, 0.0013%; no homozygotes.

Submission:

PreventionGenetics, part of Exact Sciences
Classification: Uncertain significance for PTCH1-related condition. Last evaluated: 2024-12-27. Review status: criteria provided, single submitter. Criteria: ACMG Guidelines, 2015. Collection method: clinical testing. Allele origin: germline.
Comment: The PTCH1 c.133G>T variant is predicted to result in premature protein termination (p.Glu45*). However, the affected exon (exon 1 of NM_001083603) has evidence of reduced expression, and loss-of-function variation in this exon has not been established as a cause of disease. On the primary reporting transcript (NM_000264), this variant is known as c.-8327G>T (Pre-Coding). This variant was detected in a patient with congenital heart disease in a large cohort study, but additional clinical information is not available (Supp eTable 4, Morton et al. 2021. PubMed ID: 33084842). This variant is absent in a large population database (gnomAD), indicating it is rare. At this time, the clinical significance of this variant is uncertain due to the absence of conclusive functional and genetic evidence.

NM_001083603.3(PTCH1):c.133G>T (p.Glu45Ter)

Gene: PTCH1 (patched 1; minus strand). Cytogenetic location: 9q22.32.
Variant type: single nucleotide variant.
Coding change: c.133G>T on transcript NM_001083603.3 (MANE Plus Clinical); coding-DNA position 133, G replaced by T.
Protein change: p.Glu45Ter; replaces glutamic acid 45 with a stop codon.
Molecular consequence: nonsense. On other transcripts: 5 prime UTR variant (2).
Genome position (GRCh38, 1-based): chr9:95,516,688, C>A on the plus strand (G>T on the coding strand, the complement: PTCH1 is on the minus strand). VCF-style: chr9-95516688-C-A. GRCh37 (hg19) VCF-style: chr9-98278970-C-A.
Other names: c.-217G>T (NM_001083602.3, NM_001354919.2); short protein forms E45*.
Identifiers: ClinVar variation 4988317 (VCV004988317.1).
Genomic context (GRCh38, chr9:95,516,688, plus strand): 5'-CGCTGCGGGTCTCTTTGTCTCCCCTGTCGTCTTTTTCTTCTCCTCCGTTTTCTTCTTCTT[C>A]TTCTCCTCCTCCTCCGTCTTTACAAAAGGAACGGAAAGTGTAAAAACCCCGGCGCGCTGG-3'